The following is an entry in ClinVar:

ClinVar aggregate classification (germline): Conflicting classifications of pathogenicity. Review status: criteria provided, conflicting classifications (1 of 4 stars). 2 submissions from 2 submitters: Likely pathogenic (1); Uncertain significance (1). Last evaluated 2025-09-19.

Conditions:
Congenital disorder of glycosylation with defective fucosylation 2 (CDGF2). Identifiers: MedGen C5193028, MONDO:0020777, OMIM 618324.

Submissions (2):

First Genomix Gene Laboratory, Genetic Diagnostics Department
Classification: Likely pathogenic for Congenital disorder of glycosylation with defective fucosylation 2. Last evaluated: 2025-09-19. Review status: criteria provided, single submitter. Criteria: ACMG Guidelines, 2015. Collection method: clinical testing. Allele origin: germline. Inheritance: Autosomal recessive inheritance. Affected: no. Observed: 1 variant allele.

Women's Health and Genetics/Laboratory Corporation of America, LabCorp
Classification: Uncertain significance. Last evaluated: 2024-05-08. Review status: criteria provided, single submitter. Criteria: LabCorp Variant Classification Summary - May 2015. Collection method: clinical testing. Allele origin: germline.
Comment: Variant summary: FCSK c.1042delG (p.Ala348ProfsX48) results in a premature termination codon, predicted to cause a truncation of the encoded protein or absence of the protein due to nonsense mediated decay, however the molecular mechanism of disease attributed to FCSK is currently unknown. The variant was absent in 1612490 control chromosomes. The available data on variant occurrences in the general population are insufficient to allow any conclusion about variant significance. To our knowledge, no occurrence of c.1042delG in individuals affected with Congenital Disorder Of Glycosylation With Defective Fucosylation and no experimental evidence demonstrating its impact on protein function have been reported. No submitters have cited clinical-significance assessments for this variant to ClinVar. Based on the evidence outlined above, the variant was classified as uncertain significance.

NM_145059.3(FCSK):c.1042del (p.Ala348fs)

Gene: FCSK (fucose kinase; plus strand). Cytogenetic location: 16q22.1.
Variant type: Deletion.
Coding change: c.1042del on transcript NM_145059.3 (MANE Select); coding-DNA position 1042, one base deleted (G; older notation c.1042delG).
Protein change: p.Ala348fs; shifts the reading frame from alanine 348.
Molecular consequence: frameshift variant.
Genome position (GRCh38, 1-based): chr16:70,470,400, G deleted; the last of 4 consecutive G bases (chr16:70,470,397-70,470,400); deleting any one gives the same sequence. VCF-style (leftmost placement, unchanged base first): chr16-70470396-TG-T. GRCh37 (hg19) VCF-style: chr16-70504299-TG-T.
Other names: c.1042delG (NM_145059.3); short protein forms A348fs.
Identifiers: ClinVar variation 3336105 (VCV003336105.1).